The following is an entry in ClinVar:

ClinVar aggregate classification (germline): Uncertain significance (1 of 4 stars; one submission).

Conditions:
Carney complex, type 1 (CNC1). Also called: CARNEY COMPLEX, TYPE I; CARNEY MYXOMA-ENDOCRINE COMPLEX. Identifiers: Orphanet 1359, MedGen C2607929, MONDO:0008057, OMIM 160980.

Submission:

Labcorp Genetics (formerly Invitae), Labcorp
Classification: Uncertain significance for Carney complex, type 1. Last evaluated: 2018-03-28. Review status: criteria provided, single submitter. Criteria: Invitae Variant Classification Sherloc (09022015). Collection method: clinical testing. Allele origin: germline.
Comment: In summary, the available evidence is currently insufficient to determine the role of this variant in disease. Therefore, it has been classified as a Variant of Uncertain Significance. Nucleotide substitutions within the consensus splice site are a relatively common cause of aberrant splicing (PMID: 17576681, 9536098). Algorithms developed to predict the effect of sequence changes on RNA splicing suggest that this variant may disrupt the consensus splice site, but this prediction has not been confirmed by published transcriptional studies. This variant has not been reported in the literature in individuals with PRKAR1A-related disease. This variant is not present in population databases (ExAC no frequency). This sequence change falls in intron 10 of the PRKAR1A gene. It does not directly change the encoded amino acid sequence of the PRKAR1A protein, but it affects a nucleotide within the consensus splice site of the intron.

Literature cited by the submitters: PubMed 17576681; PubMed 9536098.

NM_002734.5(PRKAR1A):c.973+3A>T

Gene: PRKAR1A (protein kinase cAMP-dependent type I regulatory subunit alpha; plus strand). Cytogenetic location: 17q24.2.
Variant type: single nucleotide variant.
Coding change: c.973+3A>T on transcript NM_002734.5 (MANE Select); 3 bases into the intron after coding-DNA position 973, A replaced by T.
Molecular consequence: intron variant.
Genome position (GRCh38, 1-based): chr17:68,530,004, A>T. VCF-style: chr17-68530004-A-T. GRCh37 (hg19) VCF-style: chr17-66526145-A-T.
Other names: c.973+3A>T (NM_001278433.2, NM_001369389.1, NM_212471.3 and 4 more transcripts).
Identifiers: ClinVar variation 583328 (VCV000583328.6), dbSNP rs745972497, ClinGen allele CA891844466.